The following is an entry in ClinVar:

NC_000008.10:g.(?_94821048)_(94822135_?)del

Gene: TMEM67 (transmembrane protein 67; plus strand). Cytogenetic location: 8q22.1.
Variant type: Deletion.
Identifiers: ClinVar variation 1456259 (VCV001456259.6).

ClinVar aggregate classification (germline): Pathogenic (1 of 4 stars; one submission).

Conditions:
Meckel-Gruber syndrome. Also called: DYSENCEPHALIA SPLANCHNOCYSTICA; GRUBER SYNDROME; Dysencephalia splachnocystica. Identifiers: Orphanet 564, MedGen C0265215, MONDO:0018921.
Joubert syndrome. Also called: CEREBELLOPARENCHYMAL DISORDER IV; JOUBERT-BOLTSHAUSER SYNDROME; Familial aplasia of the vermis. Identifiers: Orphanet 475, MedGen C5979921, MONDO:0018772.

Submission:

Labcorp Genetics (formerly Invitae), Labcorp
Classification: Pathogenic for Joubert syndrome; Meckel-Gruber syndrome. Last evaluated: 2023-05-12. Review status: criteria provided, single submitter. Criteria: Invitae Variant Classification Sherloc (09022015). Collection method: clinical testing. Allele origin: germline.
Comment: For these reasons, this variant has been classified as Pathogenic. This variant has not been reported in the literature in individuals affected with TMEM67-related conditions. This variant is a gross deletion of the genomic region encompassing exon(s) 24-26 of the TMEM67 gene. This deletion is out-of-frame, and is expected to create a premature termination codon and result in an absent or disrupted protein product. Loss-of-function variants in TMEM67 are known to be pathogenic (PMID: 20232449, 23559409).

Literature cited by the submitters: PubMed 20232449; PubMed 23559409.